The following is an entry in ClinVar:

NM_001287.6(CLCN7):c.970A>C (p.Thr324Pro)

Gene: CLCN7 (chloride voltage-gated channel 7; minus strand). Cytogenetic location: 16p13.3.
Variant type: single nucleotide variant.
Coding change: c.970A>C on transcript NM_001287.6 (MANE Select); coding-DNA position 970, A replaced by C.
Protein change: p.Thr324Pro; replaces threonine 324 with proline.
Molecular consequence: missense variant.
Genome position (GRCh38, 1-based): chr16:1,455,742, T>G on the plus strand (A>C on the coding strand, the complement: CLCN7 is on the minus strand). VCF-style: chr16-1455742-T-G. GRCh37 (hg19) VCF-style: chr16-1505743-T-G.
Other names: c.898A>C, p.Thr300Pro (NM_001114331.3); short protein forms T300P, T324P.
Identifiers: ClinVar variation 3728029 (VCV003728029.2).

ClinVar aggregate classification (germline): Uncertain significance (1 of 4 stars; one submission).

Submission:

Labcorp Genetics (formerly Invitae), Labcorp
Classification: Uncertain significance. Last evaluated: 2024-12-24. Review status: criteria provided, single submitter. Criteria: Invitae Variant Classification Sherloc (09022015). Collection method: clinical testing. Allele origin: germline.
Comment: This sequence change replaces threonine, which is neutral and polar, with proline, which is neutral and non-polar, at codon 324 of the CLCN7 protein (p.Thr324Pro). This variant is not present in population databases (gnomAD no frequency). This variant has not been reported in the literature in individuals affected with CLCN7-related conditions. An algorithm developed to predict the effect of missense changes on protein structure and function (PolyPhen-2) suggests that this variant is likely to be disruptive. In summary, the available evidence is currently insufficient to determine the role of this variant in disease. Therefore, it has been classified as a Variant of Uncertain Significance.